The following is an entry in ClinVar:

ClinVar aggregate classification (germline): Uncertain significance (1 of 4 stars; one submission).

Conditions:
Perlman syndrome (PRLMNS). Identifiers: Orphanet 2849, MedGen C0796113, MONDO:0009965, OMIM 267000.

Submission:

Labcorp Genetics (formerly Invitae), Labcorp
Classification: Uncertain significance for Perlman syndrome. Last evaluated: 2022-05-21. Review status: criteria provided, single submitter. Criteria: Invitae Variant Classification Sherloc (09022015). Collection method: clinical testing. Allele origin: germline.
Comment: In summary, the available evidence is currently insufficient to determine the role of this variant in disease. Therefore, it has been classified as a Variant of Uncertain Significance. Algorithms developed to predict the effect of sequence changes on RNA splicing suggest that this variant may create or strengthen a splice site. This variant has not been reported in the literature in individuals affected with DIS3L2-related conditions. This variant is not present in population databases (gnomAD no frequency). This sequence change falls in intron 18 of the DIS3L2 gene. It does not directly change the encoded amino acid sequence of the DIS3L2 protein.

NM_152383.5(DIS3L2):c.2290-20C>T

Gene: DIS3L2 (DIS3 like 3'-5' exoribonuclease 2; plus strand). Cytogenetic location: 2q37.1.
Variant type: single nucleotide variant.
Coding change: c.2290-20C>T on transcript NM_152383.5 (MANE Select); 20 bases into the intron before coding-DNA position 2290, C replaced by T.
Molecular consequence: intron variant.
Genome position (GRCh38, 1-based): chr2:232,334,611, C>T. VCF-style: chr2-232334611-C-T. GRCh37 (hg19) VCF-style: chr2-233199321-C-T.
Other names: c.1582-8734C>T (NM_001257281.2).
Identifiers: ClinVar variation 1936490 (VCV001936490.5), dbSNP rs2469449170, ClinGen allele CA2577300382.
Genomic context (GRCh38, chr2:232,334,611, plus strand): 5'-TGGGCACCTGCTCACCAGGAGGCCTCGAGGAGCCCAGGGCAGTGCCAGGAGGTGCCATGG[C>T]TGCAGCACTGTCCCTGCAGGAGAGTGGCCCCCTGGAGTCAGAAGCCATGGTGATGGGCAT-3'